The following is an entry in ClinVar:

ClinVar aggregate classification (germline): Uncertain significance. Review status: criteria provided, multiple submitters, no conflicts (2 of 4 stars). 2 submissions from 2 submitters: Uncertain significance (2). Last evaluated 2022-08-15.

Allele frequency attached by ClinVar (database versions not stated): ExAC 0.00002; gnomAD exomes 0.00002; TOPMed 0.00012; gnomAD 0.00013 and 0.00014; ESP Exome Variant Server 0.00031.
gnomAD v4.1: 27 of 1,613,126 alleles (0.0017%); highest among the groups gnomAD compares: African/African-American, 0.035%; no homozygotes.

Submissions (2):

Labcorp Genetics (formerly Invitae), Labcorp
Classification: Uncertain significance. Last evaluated: 2022-08-15. Review status: criteria provided, single submitter. Criteria: Invitae Variant Classification Sherloc (09022015). Collection method: clinical testing. Allele origin: germline.
Comment: This variant has not been reported in the literature in individuals affected with DYM-related conditions. In summary, the available evidence is currently insufficient to determine the role of this variant in disease. Therefore, it has been classified as a Variant of Uncertain Significance. Algorithms developed to predict the effect of missense changes on protein structure and function (SIFT, PolyPhen-2, Align-GVGD) all suggest that this variant is likely to be disruptive. ClinVar contains an entry for this variant (Variation ID: 1202781). This variant is present in population databases (rs150635814, gnomAD 0.04%). This sequence change replaces alanine, which is neutral and non-polar, with threonine, which is neutral and polar, at codon 106 of the DYM protein (p.Ala106Thr).

GeneDx
Classification: Uncertain significance. Last evaluated: 2020-02-24. Review status: criteria provided, single submitter. Criteria: GeneDx Variant Classification Process June 2021. Collection method: clinical testing. Allele origin: germline. Affected: yes.
Comment: In silico analysis supports that this missense variant has a deleterious effect on protein structure/function; Has not been previously published as pathogenic or benign to our knowledge

NM_001353214.3(DYM):c.316G>A (p.Ala106Thr)

Gene: DYM (dymeclin; minus strand). Cytogenetic location: 18q21.1.
Variant type: single nucleotide variant.
Coding change: c.316G>A on transcript NM_001353214.3 (MANE Select); coding-DNA position 316, G replaced by A.
Protein change: p.Ala106Thr; replaces alanine 106 with threonine.
Molecular consequence: missense variant. On other transcripts: intron variant (5).
Genome position (GRCh38, 1-based): chr18:49,378,672, C>T on the plus strand (G>A on the coding strand, the complement: DYM is on the minus strand). VCF-style: chr18-49378672-C-T. GRCh37 (hg19) VCF-style: chr18-46905042-C-T.
Other names: c.316G>A, p.Ala106Thr (NM_001353210.3, NM_001353213.3, NM_001353215.3 and 12 more transcripts); c.313G>A, p.Ala105Thr (NM_001353211.3, NM_001353212.3, NM_001374429.1 and 1 more transcripts); c.193+12921G>A (NM_001374443.1, NM_001374444.1, NM_001374442.1 and 2 more transcripts); short protein forms A105T, A106T.
Identifiers: ClinVar variation 1202781 (VCV001202781.7), dbSNP rs150635814, ClinGen allele CA8958424.